The following is an entry in ClinVar:

ClinVar aggregate classification (germline): Uncertain significance (1 of 4 stars; one submission).

gnomAD v4.1: 1 of 1,612,728 alleles (0.000062%); highest among the groups gnomAD compares: Non-Finnish European, 0.000085%; no homozygotes.

Submission:

Labcorp Genetics (formerly Invitae), Labcorp
Classification: Uncertain significance. Last evaluated: 2022-06-19. Review status: criteria provided, single submitter. Criteria: Invitae Variant Classification Sherloc (09022015). Collection method: clinical testing. Allele origin: germline.
Comment: This variant has not been reported in the literature in individuals affected with DSCAML1-related conditions. Algorithms developed to predict the effect of missense changes on protein structure and function are either unavailable or do not agree on the potential impact of this missense change (SIFT: "Deleterious"; PolyPhen-2: "Probably Damaging"; Align-GVGD: "Class C0"). In summary, the available evidence is currently insufficient to determine the role of this variant in disease. Therefore, it has been classified as a Variant of Uncertain Significance. This sequence change replaces arginine, which is basic and polar, with proline, which is neutral and non-polar, at codon 1827 of the DSCAML1 protein (p.Arg1827Pro). This variant is not present in population databases (gnomAD no frequency).

NM_020693.4(DSCAML1):c.5300G>C (p.Arg1767Pro)

Gene: DSCAML1 (DS cell adhesion molecule like 1; minus strand). Cytogenetic location: 11q23.3.
Variant type: single nucleotide variant.
Coding change: c.5300G>C on transcript NM_020693.4 (MANE Select); coding-DNA position 5300, G replaced by C.
Protein change: p.Arg1767Pro; replaces arginine 1767 with proline.
Molecular consequence: missense variant.
Genome position (GRCh38, 1-based): chr11:117,431,608, C>G on the plus strand (G>C on the coding strand, the complement: DSCAML1 is on the minus strand). VCF-style: chr11-117431608-C-G. GRCh37 (hg19) VCF-style: chr11-117302324-C-G.
Other names: short protein forms R1767P.
Identifiers: ClinVar variation 2003296 (VCV002003296.4), dbSNP rs775392101, ClinGen allele CA382754402.